The following is an entry in ClinVar:

ClinVar aggregate classification (germline): Likely pathogenic. Review status: criteria provided, multiple submitters, no conflicts (2 of 4 stars). 3 submissions from 3 submitters: Likely pathogenic (2). 1 of the submissions does not count toward it. Last evaluated 2026-02-26.

Conditions:
C6-related disorders.
C6-related disorder. Also called: C6-related condition.

Submissions (3):

Dasa
Classification: Likely pathogenic. Last evaluated: 2026-02-26. Review status: criteria provided, single submitter. Criteria: DASA Assertion Criteria. Collection method: clinical testing. Allele origin: germline.
Comment: NM_000065.5(C6):c.1879_1881delinsAT (p.Asp627Metfs*4) is a frameshift variant in C6 predicted to alter the reading frame and introduce a premature termination codon and is predicted to result in an absent or altered protein product. Loss of function is an established disease mechanism for C6-associated disorders. Also, this variant is absent from population databases. Based on the currently available evidence, this variant is classified as likely pathogenic.

Blueprint Genetics
Classification: Likely pathogenic for C6-related disorders. Last evaluated: 2022-07-15. Review status: criteria provided, single submitter. Criteria: ACMG Guidelines, 2015. Collection method: clinical testing. Allele origin: germline. Affected: yes. Observed: 1 variant allele.

PreventionGenetics, part of Exact Sciences
Classification: Pathogenic for C6-related condition. Last evaluated: 2024-02-19. Review status: no assertion criteria provided. Collection method: clinical testing. Allele origin: germline. Not counted in ClinVar's aggregate classification.
Comment: The C6 c.1879_1881delinsAT variant is predicted to result in a frameshift and premature protein termination (p.Asp627Metfs*4). To our knowledge, this variant has not been reported in the literature or in a large population database, indicating this variant is rare. Frameshift variants in C6 are expected to be pathogenic, and a similar frameshift (c.1879delG) was reported in the homozygous state in an individual with C6 deficiency (Nishizaka et al. 1996. PubMed ID: 8690922, reported as "1936delG"). The c.1879_1881delinsAT (p.Asp627Metfs*4) variant is interpreted as pathogenic.

NM_000065.5(C6):c.1879_1881delinsAT (p.Asp627fs)

Gene: C6 (complement C6; minus strand). Cytogenetic location: 5p13.1.
Variant type: Indel.
Coding change: c.1879_1881delinsAT on transcript NM_000065.5 (MANE Select); coding-DNA positions 1879 to 1881, GAC replaced by AT.
Protein change: p.Asp627fs; shifts the reading frame from aspartic acid 627.
Molecular consequence: frameshift variant.
Genome position (GRCh38, 1-based): chr5:41,158,761-41,158,763, GTC replaced by AT on the plus strand (GAC replaced by AT on the coding strand, the reverse complement: C6 is on the minus strand). VCF-style: chr5-41158761-GTC-AT. GRCh37 (hg19) VCF-style: chr5-41158863-GTC-AT.
Other names: c.1879_1881delinsAT, p.Asp627fs (NM_001115131.4); short protein forms D627fs.
Identifiers: ClinVar variation 3029906 (VCV003029906.5), dbSNP rs2478412286, ClinGen allele CA2740091721.
Genomic context (GRCh38, chr5:41,158,761, plus strand): 5'-TGGCTGAGGACACCCGGAATCTGCTTCTATCTCAGGAAGATCGACCTCTTTCATTTCTTC[GTC>AT]ATCATTGATACATGGTTGTCCACTAAAAGGGAAACATAAATATGTGTGTATATGTATGTA-3'